The following is an entry in ClinVar:

NM_017780.4(CHD7):c.8965G>A (p.Glu2989Lys)

Gene: CHD7 (chromodomain helicase DNA binding protein 7; plus strand). Cytogenetic location: 8q12.2.
Variant type: single nucleotide variant.
Coding change: c.8965G>A on transcript NM_017780.4 (MANE Select); coding-DNA position 8965, G replaced by A.
Protein change: p.Glu2989Lys; replaces glutamic acid 2989 with lysine.
Molecular consequence: missense variant.
Genome position (GRCh38, 1-based): chr8:60,865,904, G>A. VCF-style: chr8-60865904-G-A. GRCh37 (hg19) VCF-style: chr8-61778463-G-A.
Other names: c.2818G>A, p.Glu940Lys (NM_001316690.1); short protein forms E2989K, E940K.
Identifiers: ClinVar variation 1693403 (VCV001693403.2), dbSNP rs1455036121, ClinGen allele CA371313519.

ClinVar aggregate classification (germline): Uncertain significance (1 of 4 stars; one submission).

Allele frequency attached by ClinVar (database versions not stated): gnomAD exomes 0.00001; TOPMed 0.00001.
gnomAD v4.1: 9 of 1,607,260 alleles (0.00056%); highest among the groups gnomAD compares: Non-Finnish European, 0.00076%; no homozygotes.

Submission:

GeneDx
Classification: Uncertain significance. Last evaluated: 2021-12-29. Review status: criteria provided, single submitter. Criteria: GeneDx Variant Classification Process June 2021. Collection method: clinical testing. Allele origin: germline. Affected: yes.
Comment: Not observed at significant frequency in large population cohorts (gnomAD); In silico analysis supports that this missense variant does not alter protein structure/function; Has not been previously published as pathogenic or benign to our knowledge